The following is an entry in ClinVar:

NM_032998.3(DEDD):c.580+12C>T

Genes: DEDD (death effector domain containing; minus strand), NIT1 (nitrilase 1; plus strand). Cytogenetic location: 1q23.3.
Variant type: single nucleotide variant.
Coding change: c.580+12C>T on transcript NM_032998.3 (MANE Select); 12 bases into the intron after coding-DNA position 580, C replaced by T.
Molecular consequence: intron variant. On other transcripts: nonsense (1).
Genome position (GRCh38, 1-based): chr1:161,123,063, G>A on the plus strand (C>T on the coding strand, the complement: DEDD is on the minus strand). VCF-style: chr1-161123063-G-A. GRCh37 (hg19) VCF-style: chr1-161092853-G-A.
Other names: c.718-1078G>A (NM_001185092.2); c.580+12C>T (NM_001039711.2, NM_001039712.2); c.592C>T, p.Gln198Ter (NM_001330765.2); short protein forms Q198*.
Identifiers: ClinVar variation 4872452 (VCV004872452.2).
Genomic context (GRCh38, chr1:161,123,063, plus strand): 5'-CCCAGTGTCCCAGCAGTTCTTTATATTCTCCTTCAAGTCTGCTCCATCTCTGGAACCCTT[G>A]AACTTCCTCACCACATGTCTGCTTCTCCTTGGGATCTGGTGTCACTGACTTCCGGCGTTT-3'

ClinVar aggregate classification (germline): Likely benign (1 of 4 stars; one submission).

gnomAD v4.1: 954 of 1,614,130 alleles (0.059%); highest among the groups gnomAD compares: African/African-American, 1.1%; 5 homozygotes.

Submission:

CeGaT Center for Human Genetics Tuebingen
Classification: Likely benign. Last evaluated: 2026-06-01. Review status: criteria provided, single submitter. Criteria: CeGaT Center For Human Genetics Tuebingen Variant Classification Criteria Version 2. Collection method: clinical testing. Allele origin: germline. Affected: yes. Observed: 1 variant allele.
Comment: DEDD: BS1